The following is an entry in ClinVar:

ClinVar aggregate classification (germline): Likely benign (0 of 4 stars; one submission).

Conditions:
MIR17HG-related disorder. Also called: MIR17HG-related condition.

Allele frequency attached by ClinVar (database versions not stated): gnomAD exomes 0.00030; ExAC 0.00050; gnomAD 0.00100; TOPMed 0.00118; 1000 Genomes Project 0.00120; 1000 Genomes Project 30x 0.00125; ESP Exome Variant Server 0.00146.
gnomAD v4.1: 267 of 534,766 alleles (0.05%); highest among the groups gnomAD compares: African/African-American, 0.36%; 1 homozygote.

Submission:

PreventionGenetics, part of Exact Sciences
Classification: Likely benign for MIR17HG-related condition. Last evaluated: 2022-06-29. Review status: no assertion criteria provided. Collection method: clinical testing. Allele origin: germline.
Comment: This variant is classified as likely benign based on ACMG/AMP sequence variant interpretation guidelines (Richards et al. 2015 PMID: 25741868, with internal and published modifications).

NR_027350.2(MIR17HG):n.1420A>G

Gene: MIR17HG (miR-17-92a-1 cluster host gene; plus strand). Cytogenetic location: 13q31.3.
Variant type: single nucleotide variant.
Genome position: GRCh38 VCF-style: chr13-91350844-A-G. GRCh37 (hg19) VCF-style: chr13-92003098-A-G.
Identifiers: ClinVar variation 3039825 (VCV003039825.2), dbSNP rs182442873, ClinGen allele CA7016091.